The following is an entry in ClinVar:

ClinVar aggregate classification (germline): Uncertain significance (1 of 4 stars; one submission).

Conditions:
Cardiovascular phenotype. Identifiers: MedGen CN230736.
Hereditary cancer-predisposing syndrome. Also called: Neoplastic Syndromes, Hereditary; Tumor predisposition; Hereditary neoplastic syndrome; Hereditary Cancer Syndrome. Identifiers: Orphanet 140162, MedGen C0027672, MeSH D009386, MONDO:0015356.

Submission:

Ambry Genetics
Classification: Uncertain significance for Cardiovascular phenotype; Hereditary cancer-predisposing syndrome. Last evaluated: 2026-09-01. Review status: criteria provided, single submitter. Criteria: Ambry Variant Classification Scheme 2023. Collection method: clinical testing. Allele origin: germline.
Comment: The p.Q2568L variant (also known as c.7703A>T), located in coding exon 52 of the NF1 gene, results from an A to T substitution at nucleotide position 7703. The glutamine at codon 2568 is replaced by leucine, an amino acid with dissimilar properties. This amino acid position is conserved. In addition, this alteration is predicted to be tolerated by in silico analysis. Based on the available evidence, the clinical significance of this variant remains unclear.

NM_001042492.3(NF1):c.7766A>T (p.Gln2589Leu)

Gene: NF1 (neurofibromin 1; plus strand). Cytogenetic location: 17q11.2.
Variant type: single nucleotide variant.
Coding change: c.7766A>T on transcript NM_001042492.3 (MANE Select); coding-DNA position 7766, A replaced by T.
Protein change: p.Gln2589Leu; replaces glutamine 2589 with leucine.
Molecular consequence: missense variant.
Genome position (GRCh38, 1-based): chr17:31,356,987, A>T. VCF-style: chr17-31356987-A-T. GRCh37 (hg19) VCF-style: chr17-29684005-A-T.
Other names: c.7703A>T, p.Gln2568Leu (NM_000267.4); short protein forms Q2589L, Q2568L.
Identifiers: ClinVar variation 5025648 (VCV005025648.1).